The following is an entry in ClinVar:

ClinVar aggregate classification (germline): Uncertain significance (1 of 4 stars; one submission).

Submission:

Labcorp Genetics (formerly Invitae), Labcorp
Classification: Uncertain significance. Last evaluated: 2022-11-08. Review status: criteria provided, single submitter. Criteria: Invitae Variant Classification Sherloc (09022015). Collection method: clinical testing. Allele origin: germline.
Comment: This variant is not present in population databases (gnomAD no frequency). This variant has not been reported in the literature in individuals affected with CA2-related conditions. Advanced modeling of protein sequence and biophysical properties (such as structural, functional, and spatial information, amino acid conservation, physicochemical variation, residue mobility, and thermodynamic stability) performed at Invitae indicates that this missense variant is not expected to disrupt CA2 protein function. In summary, the available evidence is currently insufficient to determine the role of this variant in disease. Therefore, it has been classified as a Variant of Uncertain Significance. This sequence change replaces proline, which is neutral and non-polar, with leucine, which is neutral and non-polar, at codon 42 of the CA2 protein (p.Pro42Leu).

NM_000067.3(CA2):c.125C>T (p.Pro42Leu)

Gene: CA2 (carbonic anhydrase 2; plus strand). Cytogenetic location: 8q21.2.
Variant type: single nucleotide variant.
Coding change: c.125C>T on transcript NM_000067.3 (MANE Select); coding-DNA position 125, C replaced by T.
Protein change: p.Pro42Leu; replaces proline 42 with leucine.
Molecular consequence: missense variant. On other transcripts: 5 prime UTR variant (1).
Genome position (GRCh38, 1-based): chr8:85,465,362, C>T. VCF-style: chr8-85465362-C-T. GRCh37 (hg19) VCF-style: chr8-86377591-C-T.
Other names: c.-60C>T (NM_001293675.2); short protein forms P42L.
Identifiers: ClinVar variation 1912917 (VCV001912917.5), dbSNP rs1811612182, ClinGen allele CA371424632.